The following is an entry in ClinVar:

NM_000208.4(INSR):c.690C>T (p.Ala230=)

Gene: INSR (insulin receptor; minus strand). Cytogenetic location: 19p13.2.
Variant type: single nucleotide variant.
Coding change: c.690C>T on transcript NM_000208.4 (MANE Select); coding-DNA position 690, C replaced by T.
Protein change: p.Ala230=; no amino-acid change (alanine 230 retained).
Molecular consequence: synonymous variant.
Genome position (GRCh38, 1-based): chr19:7,184,600, G>A on the plus strand (C>T on the coding strand, the complement: INSR is on the minus strand). VCF-style: chr19-7184600-G-A. GRCh37 (hg19) VCF-style: chr19-7184611-G-A.
Other names: c.690C>T, p.Ala230= (NM_001079817.3); c.690C>T (NM_000208.3).
Identifiers: ClinVar variation 1337076 (VCV001337076.26), dbSNP rs373720760, ClinGen allele CA9136031.

ClinVar aggregate classification (germline): Likely benign. Review status: criteria provided, multiple submitters, no conflicts (2 of 4 stars). 5 submissions from 5 submitters: Likely benign (4). 1 of the submissions does not count toward it. Last evaluated 2025-11-10.

Conditions:
INSR-related disorder.

Allele frequency attached by ClinVar (database versions not stated): ESP Exome Variant Server 0.00008; gnomAD 0.00013 and 0.00014; gnomAD exomes 0.00013 and 0.00015; TOPMed 0.00014; ExAC 0.00021.
gnomAD v4.1: 235 of 1,613,026 alleles (0.015%); highest among the groups gnomAD compares: Middle Eastern, 0.033%; no homozygotes.

Submissions (5):

Labcorp Genetics (formerly Invitae), Labcorp
Classification: Likely benign. Last evaluated: 2025-11-10. Review status: criteria provided, single submitter. Criteria: Invitae Variant Classification Sherloc (09022015). Collection method: clinical testing. Allele origin: germline.

Blueprint Genetics
Classification: Likely benign. Last evaluated: 2024-11-26. Review status: criteria provided, single submitter. Criteria: ACMG Guidelines, 2015. Collection method: clinical testing. Allele origin: germline.

CeGaT Center for Human Genetics Tuebingen
Classification: Likely benign. Last evaluated: 2024-05-01. Review status: criteria provided, single submitter. Criteria: CeGaT Center For Human Genetics Tuebingen Variant Classification Criteria Version 2. Collection method: clinical testing. Allele origin: germline. Affected: yes. Observed: 1 variant allele.
Comment: INSR: BP4, BP7

Genetic Services Laboratory, University of Chicago
Classification: Likely benign. Last evaluated: 2021-02-25. Review status: criteria provided, single submitter. Criteria: ACMG Guidelines, 2015. Collection method: clinical testing. Allele origin: germline. Affected: no.

PreventionGenetics, part of Exact Sciences
Classification: Likely benign for INSR-related condition. Last evaluated: 2022-05-05. Review status: no assertion criteria provided. Collection method: clinical testing. Allele origin: germline. Not counted in ClinVar's aggregate classification.
Comment: This variant is classified as likely benign based on ACMG/AMP sequence variant interpretation guidelines (Richards et al. 2015 PMID: 25741868, with internal and published modifications).